The following is an entry in ClinVar:

NM_152730.6(TBC1D32):c.2734T>A (p.Tyr912Asn)

Gene: TBC1D32 (TBC1 domain family member 32; minus strand). Cytogenetic location: 6q22.31.
Variant type: single nucleotide variant.
Coding change: c.2734T>A on transcript NM_152730.6 (MANE Select); coding-DNA position 2734, T replaced by A.
Protein change: p.Tyr912Asn; replaces tyrosine 912 with asparagine.
Molecular consequence: missense variant. On other transcripts: non-coding transcript variant (1).
Genome position (GRCh38, 1-based): chr6:121,160,049, A>T on the plus strand (T>A on the coding strand, the complement: TBC1D32 is on the minus strand). VCF-style: chr6-121160049-A-T. GRCh37 (hg19) VCF-style: chr6-121481195-A-T.
Other names: c.2857T>A, p.Tyr953Asn (NM_001367759.1, NM_001367760.1); short protein forms Y953N, Y912N.
Identifiers: ClinVar variation 1987636 (VCV001987636.4), dbSNP rs751628250, ClinGen allele CA3980667.

ClinVar aggregate classification (germline): Uncertain significance (1 of 4 stars; one submission).

Allele frequency attached by ClinVar (database versions not stated): gnomAD exomes below 0.00001; ExAC 0.00001; gnomAD 0.00001; TOPMed 0.00001.
gnomAD v4.1: 8 of 1,609,116 alleles (0.0005%); highest among the groups gnomAD compares: Non-Finnish European, 0.00051%; no homozygotes.

Submission:

Labcorp Genetics (formerly Invitae), Labcorp
Classification: Uncertain significance. Last evaluated: 2022-07-06. Review status: criteria provided, single submitter. Criteria: Invitae Variant Classification Sherloc (09022015). Collection method: clinical testing. Allele origin: germline.
Comment: In summary, the available evidence is currently insufficient to determine the role of this variant in disease. Therefore, it has been classified as a Variant of Uncertain Significance. Algorithms developed to predict the effect of missense changes on protein structure and function (SIFT, PolyPhen-2, Align-GVGD) all suggest that this variant is likely to be disruptive. This variant has not been reported in the literature in individuals affected with TBC1D32-related conditions. This variant is present in population databases (rs751628250, gnomAD 0.002%). This sequence change replaces tyrosine, which is neutral and polar, with asparagine, which is neutral and polar, at codon 912 of the TBC1D32 protein (p.Tyr912Asn).